The following is an entry in ClinVar:

ClinVar aggregate classification (germline): Pathogenic (1 of 4 stars; one submission).

Conditions:
Vascular malformation. Also called: Vascular malformations. Identifiers: MedGen C0158570, MONDO:0024291.

Submission:

Clinical Genomics Laboratory, Washington University in St. Louis
Classification: Pathogenic for Vascular malformation. Last evaluated: 2024-12-02. Review status: criteria provided, single submitter. Criteria: Leon-Quintero et al. (Clin Genet. 2025). Collection method: clinical testing. Allele origin: somatic. Affected: yes.
Comment: A RASA1 c.1338_1341dup (p.Gln448Argfs*6) variant was identified at an allelic fraction consistent with somatic origin. To our knowledge, it has not been reported in the medical literature. This variant is absent from the general population (gnomAD v.4.1.0), indicating it is not a common variant. The RASA1 c.1338_1341dup (p.Gln448Argfs*6) variant causes a frameshift by duplicating 4 nucleotides, leading to a premature termination codon, which is predicted to lead to nonsense mediated decay. Loss of function of the RASA1 gene is a known disease mechanism (Revencu N et al., PMID: 24038909). Based on available information and an internally developed protocol informed by the ACMG/AMP guidelines for variant interpretation (Leon-Quintero FZ et al., PMID: 39434542), the RASA1 c.1338_1341dup (p.Gln448Argfs*6) variant is classified as pathogenic.

NM_002890.3(RASA1):c.1338_1341dup (p.Gln448fs)

Genes: CCNH (cyclin H; minus strand), RASA1 (RAS p21 protein activator 1; plus strand). Cytogenetic location: 5q14.3.
Variant type: Duplication.
Coding change: c.1338_1341dup on transcript NM_002890.3 (MANE Select); coding-DNA positions 1338 to 1341, 4 bases duplicated (AGAA; older notation c.1338_1341dupAGAA).
Protein change: p.Gln448fs; shifts the reading frame from glutamine 448.
Molecular consequence: frameshift variant. On other transcripts: intron variant (1).
Genome position (GRCh38, 1-based): chr5:87,362,556-87,362,559, AGAA duplicated; duplicating any 4 consecutive bases within chr5:87,362,555-87,362,559 gives the same sequence; the c. name uses the placement nearest the transcript's 3' end. VCF-style (leftmost placement, unchanged base first): chr5-87362554-C-CAAGA. GRCh37 (hg19) VCF-style: chr5-86658371-C-CAAGA.
Other names: c.807_810dup, p.Gln271fs (NM_022650.3); c.933+32486_933+32489dup (NM_001364075.2); short protein forms Q271fs, Q448fs.
Identifiers: ClinVar variation 3774524 (VCV003774524.1).